The following is an entry in ClinVar:

ClinVar aggregate classification (germline): Uncertain significance (1 of 4 stars; one submission).

Conditions:
Autoimmune lymphoproliferative syndrome type 2B. Also called: AUTOIMMUNE LYMPHOPROLIFERATIVE SYNDROME, TYPE IIB. Identifiers: Orphanet 275517, MedGen C1846545, MONDO:0011804, OMIM 607271.

Allele frequency attached by ClinVar (database versions not stated): gnomAD 0.00001.
gnomAD v4.1: 9 of 1,614,058 alleles (0.00056%); highest among the groups gnomAD compares: Non-Finnish European, 0.00076%; no homozygotes.

Submission:

Labcorp Genetics (formerly Invitae), Labcorp
Classification: Uncertain significance for Autoimmune lymphoproliferative syndrome type 2B. Last evaluated: 2021-10-20. Review status: criteria provided, single submitter. Criteria: Invitae Variant Classification Sherloc (09022015). Collection method: clinical testing. Allele origin: germline.
Comment: In summary, the available evidence is currently insufficient to determine the role of this variant in disease. Therefore, it has been classified as a Variant of Uncertain Significance. Algorithms developed to predict the effect of missense changes on protein structure and function output the following: SIFT: "Tolerated"; PolyPhen-2: "Benign"; Align-GVGD: "Class C0". The lysine amino acid residue is found in multiple mammalian species, which suggests that this missense change does not adversely affect protein function. This variant has not been reported in the literature in individuals affected with CASP8-related conditions. This variant is not present in population databases (ExAC no frequency). This sequence change replaces glutamine with lysine at codon 395 of the CASP8 protein (p.Gln395Lys). The glutamine residue is weakly conserved and there is a small physicochemical difference between glutamine and lysine.

NM_001372051.1(CASP8):c.1132C>A (p.Gln378Lys)

Gene: CASP8 (caspase 8; plus strand). Cytogenetic location: 2q33.1.
Variant type: single nucleotide variant.
Coding change: c.1132C>A on transcript NM_001372051.1 (MANE Select); coding-DNA position 1132, C replaced by A.
Protein change: p.Gln378Lys; replaces glutamine 378 with lysine.
Molecular consequence: missense variant. On other transcripts: non-coding transcript variant (22), intron variant (1).
Genome position (GRCh38, 1-based): chr2:201,285,145, C>A. VCF-style: chr2-201285145-C-A. GRCh37 (hg19) VCF-style: chr2-202149868-C-A.
Other names: c.1132C>A, p.Gln378Lys (NM_001400654.1, NM_001400655.1, NM_001400656.1 and 5 more transcripts); c.1087C>A, p.Gln363Lys (NM_001400658.1, NM_001400659.1, NM_001400660.1 and 5 more transcripts); c.1063C>A, p.Gln355Lys (NM_001400664.1); c.1057C>A, p.Gln353Lys (NM_001400665.1); c.925C>A, p.Gln309Lys (NM_001400666.1); c.880C>A, p.Gln294Lys (NM_001400667.1, NM_001400668.1); c.823C>A, p.Gln275Lys (NM_001400669.1); c.535C>A, p.Gln179Lys (NM_001400671.1, NM_001400672.1, NM_001400673.1 and 1 more transcripts); and 7 more; short protein forms Q363K, Q378K, Q395K, Q437K, Q164K, Q173K, Q179K, Q275K.
Identifiers: ClinVar variation 1441887 (VCV001441887.6), dbSNP rs1164535571, ClinGen allele CA350301694.